The following is an entry in ClinVar:

NM_003803.4(MYOM1):c.2128T>C (p.Phe710Leu)

Gene: MYOM1 (myomesin 1; minus strand). Cytogenetic location: 18p11.31.
Variant type: single nucleotide variant.
Coding change: c.2128T>C on transcript NM_003803.4 (MANE Select); coding-DNA position 2128, T replaced by C.
Protein change: p.Phe710Leu; replaces phenylalanine 710 with leucine.
Molecular consequence: missense variant.
Genome position (GRCh38, 1-based): chr18:3,135,628, A>G on the plus strand (T>C on the coding strand, the complement: MYOM1 is on the minus strand). VCF-style: chr18-3135628-A-G. GRCh37 (hg19) VCF-style: chr18-3135626-A-G.
Other names: c.2128T>C, p.Phe710Leu (NM_019856.2); short protein forms F710L.
Identifiers: ClinVar variation 1786351 (VCV001786351.3), dbSNP rs760509370, ClinGen allele CA8874738.

ClinVar aggregate classification (germline): Uncertain significance. Review status: criteria provided, multiple submitters, no conflicts (2 of 4 stars). 2 submissions from 2 submitters: Uncertain significance (2). Last evaluated 2026-01-19.

Conditions:
Hypertrophic cardiomyopathy. Also called: HYPERTROPHIC MYOCARDIOPATHY. Identifiers: Orphanet 217569, MedGen C0007194, MeSH D002312, MONDO:0005045, HP:0001639.

Allele frequency attached by ClinVar (database versions not stated): gnomAD exomes 0.00001; ExAC 0.00002.
gnomAD v4.1: 7 of 1,613,910 alleles (0.00043%); highest among the groups gnomAD compares: Non-Finnish European, 0.00059%; no homozygotes.

Submissions (2):

Labcorp Genetics (formerly Invitae), Labcorp
Classification: Uncertain significance for Hypertrophic cardiomyopathy. Last evaluated: 2026-01-19. Review status: criteria provided, single submitter. Criteria: Invitae Variant Classification Sherloc (09022015). Collection method: clinical testing. Allele origin: germline.
Comment: This sequence change replaces phenylalanine, which is neutral and non-polar, with leucine, which is neutral and non-polar, at codon 710 of the MYOM1 protein (p.Phe710Leu). This variant is present in population databases (rs760509370, gnomAD 0.0009%). This variant has not been reported in the literature in individuals affected with MYOM1-related conditions. ClinVar contains an entry for this variant (Variation ID: 1786351). Invitae Evidence Modeling of protein sequence and biophysical properties (such as structural, functional, and spatial information, amino acid conservation, physicochemical variation, residue mobility, and thermodynamic stability) has been performed for this missense variant. However, the output from this modeling did not meet the statistical confidence thresholds required to predict the impact of this variant on MYOM1 protein function. In summary, the available evidence is currently insufficient to determine the role of this variant in disease. Therefore, it has been classified as a Variant of Uncertain Significance.

Ambry Genetics
Classification: Uncertain significance. Last evaluated: 2021-10-11. Review status: criteria provided, single submitter. Criteria: Ambry Variant Classification Scheme 2023. Collection method: clinical testing. Allele origin: germline.
Comment: The p.F710L variant (also known as c.2128T>C), located in coding exon 14 of the MYOM1 gene, results from a T to C substitution at nucleotide position 2128. The phenylalanine at codon 710 is replaced by leucine, an amino acid with highly similar properties. This amino acid position is conserved. In addition, this alteration is predicted to be deleterious by in silico analysis. Since supporting evidence is limited at this time, the clinical significance of this alteration remains unclear.